The following is an entry in ClinVar:

ClinVar aggregate classification (germline): Uncertain significance. Review status: criteria provided, multiple submitters, no conflicts (2 of 4 stars). 6 submissions from 6 submitters: Uncertain significance (2). 4 of the submissions do not count toward it. Last evaluated 2025-08-23.

Conditions:
Left ventricular noncompaction 8 (LVNC8). Identifiers: Orphanet 154, Orphanet 54260, MedGen C3809288, MONDO:0014152, OMIM 615373.

Allele frequency attached by ClinVar (database versions not stated): ExAC 0.00001; gnomAD exomes 0.00002 and 0.00008; gnomAD 0.00007; TOPMed 0.00009; ESP Exome Variant Server 0.00016.
gnomAD v4.1: 118 of 1,611,396 alleles (0.0073%); highest among the groups gnomAD compares: Non-Finnish European, 0.0092%; no homozygotes.

Submissions (6):

Labcorp Genetics (formerly Invitae), Labcorp
Classification: Uncertain significance for Left ventricular noncompaction 8. Last evaluated: 2025-08-23. Review status: criteria provided, single submitter. Criteria: Invitae Variant Classification Sherloc (09022015). Collection method: clinical testing. Allele origin: germline.
Comment: This sequence change replaces serine, which is neutral and polar, with leucine, which is neutral and non-polar, at codon 66 of the PRDM16 protein (p.Ser66Leu). This variant is present in population databases (rs374012976, gnomAD 0.006%). This missense change has been observed in individual(s) with cardiomyopathy (PMID: 30847666). ClinVar contains an entry for this variant (Variation ID: 474414). An algorithm developed to predict the effect of missense changes on protein structure and function (PolyPhen-2) suggests that this variant is likely to be disruptive. In summary, the available evidence is currently insufficient to determine the role of this variant in disease. Therefore, it has been classified as a Variant of Uncertain Significance.

GeneDx
Classification: Uncertain significance. Last evaluated: 2024-08-18. Review status: criteria provided, single submitter. Criteria: GeneDx Variant Classification Process June 2021. Collection method: clinical testing. Allele origin: germline. Affected: yes.
Comment: In silico analysis indicates that this missense variant does not alter protein structure/function; Reported in association with cardiomyopathy in published literature (PMID: 30847666); This variant is associated with the following publications: (PMID: 30847666)

Clinical Genetics DNA and cytogenetics Diagnostics Lab, Erasmus MC, Erasmus Medical Center
Classification: Uncertain significance. Review status: no assertion criteria provided. Collection method: clinical testing. Allele origin: germline. Affected: yes. Study: VKGL Data-share Consensus. Not counted in ClinVar's aggregate classification.

Clinical Genetics, Academic Medical Center
Classification: Uncertain significance. Review status: no assertion criteria provided. Collection method: clinical testing. Allele origin: germline. Affected: yes. Study: VKGL Data-share Consensus. Not counted in ClinVar's aggregate classification.

Diagnostic Laboratory, Department of Genetics, University Medical Center Groningen
Classification: Uncertain significance. Review status: no assertion criteria provided. Collection method: clinical testing. Allele origin: germline. Affected: yes. Study: VKGL Data-share Consensus. Not counted in ClinVar's aggregate classification.

Joint Genome Diagnostic Labs from Nijmegen and Maastricht, Radboudumc and MUMC+
Classification: Uncertain significance. Review status: no assertion criteria provided. Collection method: clinical testing. Allele origin: germline. Affected: yes. Study: VKGL Data-share Consensus. Not counted in ClinVar's aggregate classification.

Literature cited by the submitters: PubMed 30847666 (cited by Labcorp Genetics (formerly Invitae), Labcorp).

NM_022114.4(PRDM16):c.197C>T (p.Ser66Leu)

Gene: PRDM16 (PR/SET domain 16; plus strand). Cytogenetic location: 1p36.32.
Variant type: single nucleotide variant.
Coding change: c.197C>T on transcript NM_022114.4 (MANE Select); coding-DNA position 197, C replaced by T.
Protein change: p.Ser66Leu; replaces serine 66 with leucine.
Molecular consequence: missense variant.
Genome position (GRCh38, 1-based): chr1:3,186,284, C>T. VCF-style: chr1-3186284-C-T. GRCh37 (hg19) VCF-style: chr1-3102848-C-T.
Other names: c.197C>T, p.Ser66Leu (NM_199454.3); short protein forms S66L.
Identifiers: ClinVar variation 474414 (VCV000474414.15), dbSNP rs374012976, ClinGen allele CA543723.